The following is an entry in ClinVar:

NM_002968.3(SALL1):c.2833GAG[1] (p.Glu946del)

Gene: SALL1 (spalt like transcription factor 1; minus strand). Cytogenetic location: 16q12.1.
Variant type: Microsatellite.
Coding change: c.2833GAG[1] on transcript NM_002968.3 (MANE Select); one copy of the 3-base unit GAG starting at c.2833; the reference has two copies in a row; one copy, 3 bases deleted; also written c.2836_2838del.
Protein change: p.Glu946del; deletes glutamic acid 946.
Molecular consequence: inframe indel (on NM_002968.2).
Genome position (GRCh38, 1-based): chr16:51,139,384-51,139,386, CTC deleted on the plus strand (GAG on the coding strand, the reverse complement: SALL1 is on the minus strand); deleting any 3 consecutive bases within chr16:51,139,384-51,139,389 gives the same sequence; the position shown is the placement nearest the transcript's 3' end. VCF-style (leftmost placement, unchanged base first): chr16-51139383-TCTC-T. GRCh37 (hg19) VCF-style: chr16-51173294-TCTC-T.
Other names: c.2836_2838del (NM_002968.2); c.2542GAG[1], p.Glu849del (NM_001127892.2); c.2833_2835GAG[1], p.Glu946del (NM_002968.2); short protein forms E849del, E946del.
Identifiers: ClinVar variation 4072557 (VCV004072557.1).

ClinVar aggregate classification (germline): Uncertain significance (1 of 4 stars; one submission).

Submission:

GeneDx
Classification: Uncertain significance. Last evaluated: 2025-02-03. Review status: criteria provided, single submitter. Criteria: GeneDx Variant Classification Process June 2021. Collection method: clinical testing. Allele origin: germline. Affected: yes.
Comment: In-frame deletion of 1 amino acid in a non-repeat region; Not observed at significant frequency in large population cohorts (gnomAD); In silico analysis supports a deleterious effect on protein structure/function; Has not been previously published as pathogenic or benign to our knowledge